The following is an entry in ClinVar:

ClinVar aggregate classification (germline): Uncertain significance. Review status: criteria provided, multiple submitters, no conflicts (2 of 4 stars). 3 submissions from 3 submitters: Uncertain significance (3). Last evaluated 2026-06-09.

Conditions:
MMUT-related disorder. Also called: MMUT-related condition.

Allele frequency attached by ClinVar (database versions not stated): ESP Exome Variant Server 0.00015; 1000 Genomes Project 30x 0.00016; TOPMed 0.00017.
gnomAD v4.1: 34 of 1,611,776 alleles (0.0021%); highest among the groups gnomAD compares: African/African-American, 0.043%; no homozygotes.

Submissions (3):

PreventionGenetics, part of Exact Sciences
Classification: Uncertain significance for MMUT-related condition. Last evaluated: 2026-06-09. Review status: criteria provided, single submitter. Criteria: ACMG Guidelines, 2015. Collection method: clinical testing. Allele origin: germline.
Comment: The MMUT c.1792A>G variant is predicted to result in the amino acid substitution p.Thr598Ala. To our knowledge, this variant has not been reported in the literature. This variant is reported in 0.040% of alleles in individuals of African descent in gnomAD. At this time, the clinical significance of this variant is uncertain due to the absence of conclusive functional and genetic evidence.

Ambry Genetics
Classification: Uncertain significance. Last evaluated: 2025-08-12. Review status: criteria provided, single submitter. Criteria: Ambry Variant Classification Scheme 2023. Collection method: clinical testing. Allele origin: germline.

Labcorp Genetics (formerly Invitae), Labcorp
Classification: Uncertain significance. Last evaluated: 2022-07-30. Review status: criteria provided, single submitter. Criteria: Invitae Variant Classification Sherloc (09022015). Collection method: clinical testing. Allele origin: germline.
Comment: This sequence change replaces threonine, which is neutral and polar, with alanine, which is neutral and non-polar, at codon 598 of the MUT protein (p.Thr598Ala). The frequency data for this variant in the population databases is considered unreliable, as metrics indicate poor data quality at this position in the gnomAD database. This variant has not been reported in the literature in individuals affected with MUT-related conditions. Algorithms developed to predict the effect of missense changes on protein structure and function output the following: SIFT: "Tolerated"; PolyPhen-2: "Benign"; Align-GVGD: "Class C0". The alanine amino acid residue is found in multiple mammalian species, which suggests that this missense change does not adversely affect protein function. Algorithms developed to predict the effect of sequence changes on RNA splicing suggest that this variant may create or strengthen a splice site. In summary, the available evidence is currently insufficient to determine the role of this variant in disease. Therefore, it has been classified as a Variant of Uncertain Significance.

NM_000255.4(MMUT):c.1792A>G (p.Thr598Ala)

Gene: MMUT (methylmalonyl-CoA mutase; minus strand). Cytogenetic location: 6p12.3.
Variant type: single nucleotide variant.
Coding change: c.1792A>G on transcript NM_000255.4 (MANE Select); coding-DNA position 1792, A replaced by G.
Protein change: p.Thr598Ala; replaces threonine 598 with alanine.
Molecular consequence: missense variant.
Genome position (GRCh38, 1-based): chr6:49,441,856, T>C on the plus strand (A>G on the coding strand, the complement: MMUT is on the minus strand). VCF-style: chr6-49441856-T-C. GRCh37 (hg19) VCF-style: chr6-49409569-T-C.
Other names: c.1792A>G (NM_000255.3); short protein forms T598A.
Identifiers: ClinVar variation 2136975 (VCV002136975.3), dbSNP rs9473556, ClinGen allele CA3846747.
Genomic context (GRCh38, chr6:49,441,856, plus strand): 5'-AACAGAAAAGATGAAATTCTGGCCTAAGAAACCTTACATATTACCTCTTGATAGCAGATG[T>C]TATCTCTTTACTTTCTCCAAATTCCTGGCGATATGCTCCACTCACCATTCGATCATTCGC-3'
Protein context (NP_000246.2, residues 588-608): RQEFGESKEI[Thr598Ala]SAIKRVHKFM